The following is an entry in ClinVar:

NM_005751.5(AKAP9):c.8052A>C (p.Glu2684Asp)

Gene: AKAP9 (A-kinase anchoring protein 9; plus strand). Cytogenetic location: 7q21.2.
Variant type: single nucleotide variant.
Coding change: c.8052A>C on transcript NM_005751.5 (MANE Select); coding-DNA position 8052, A replaced by C.
Protein change: p.Glu2684Asp; replaces glutamic acid 2684 with aspartic acid.
Molecular consequence: missense variant.
Genome position (GRCh38, 1-based): chr7:92,082,554, A>C. VCF-style: chr7-92082554-A-C. GRCh37 (hg19) VCF-style: chr7-91711868-A-C.
Other names: c.2697A>C, p.Glu899Asp (NM_001379277.1); c.8028A>C, p.Glu2676Asp (NM_147185.3); short protein forms E2676D, E2684D, E899D.
Identifiers: ClinVar variation 3225096 (VCV003225096.1), dbSNP rs878854810, ClinGen allele CA368137243.
Genomic context (GRCh38, chr7:92,082,554, plus strand): 5'-TGTTTCTTGTGTTTCCGCTGTCATTCAGACAACTACTGAGCTATTTCATAGCAATGAAGA[A>C]AGTGGATTTTTTAATGAACTCGAGGCTCTTAGAGCTGAATCAGTGGCTACCAAAGCAGAA-3'
Protein context (NP_005742.4, residues 2674-2694): TTTELFHSNE[Glu2684Asp]SGFFNELEAL

ClinVar aggregate classification (germline): Uncertain significance (1 of 4 stars; one submission).

Conditions:
Cardiovascular phenotype. Identifiers: MedGen CN230736.

Submission:

Ambry Genetics
Classification: Uncertain significance for Cardiovascular phenotype. Last evaluated: 2023-12-15. Review status: criteria provided, single submitter. Criteria: Ambry Variant Classification Scheme 2023. Collection method: clinical testing. Allele origin: germline.
Comment: The p.E2684D variant (also known as c.8052A>C), located in coding exon 32 of the AKAP9 gene, results from an A to C substitution at nucleotide position 8052. The glutamic acid at codon 2684 is replaced by aspartic acid, an amino acid with highly similar properties. This amino acid position is conserved. In addition, this alteration is predicted to be tolerated by in silico analysis. Since supporting evidence is limited at this time, the clinical significance of this alteration remains unclear.